The following is an entry in ClinVar:

ClinVar aggregate classification (germline): Likely benign. Review status: criteria provided, multiple submitters, no conflicts (2 of 4 stars). 3 submissions from 3 submitters: Likely benign (2). 1 of the submissions does not count toward it. Last evaluated 2024-11-25.

Conditions:
COL9A1-related disorder. Also called: COL9A1-related condition; COL9A1-related disorders.

Allele frequency attached by ClinVar (database versions not stated): gnomAD 0.00003 and 0.00009; gnomAD exomes 0.00012 and 0.00035; ExAC 0.00037; 1000 Genomes Project 30x 0.00094; 1000 Genomes Project 0.00100.
gnomAD v4.1: 207 of 1,613,536 alleles (0.013%); highest among the groups gnomAD compares: South Asian, 0.18%; 3 homozygotes.

Submissions (3):

Blueprint Genetics
Classification: Likely benign. Last evaluated: 2024-11-25. Review status: criteria provided, single submitter. Criteria: ACMG Guidelines, 2015. Collection method: clinical testing. Allele origin: germline.

Labcorp Genetics (formerly Invitae), Labcorp
Classification: Likely benign. Last evaluated: 2024-06-24. Review status: criteria provided, single submitter. Criteria: Invitae Variant Classification Sherloc (09022015). Collection method: clinical testing. Allele origin: germline.

PreventionGenetics, part of Exact Sciences
Classification: Likely benign for COL9A1-related condition. Last evaluated: 2023-11-20. Review status: no assertion criteria provided. Collection method: clinical testing. Allele origin: germline. Not counted in ClinVar's aggregate classification.
Comment: This variant is classified as likely benign based on ACMG/AMP sequence variant interpretation guidelines (Richards et al. 2015 PMID: 25741868, with internal and published modifications).

NM_001851.6(COL9A1):c.1465G>C (p.Asp489His)

Gene: COL9A1 (collagen type IX alpha 1 chain; minus strand). Cytogenetic location: 6q13.
Variant type: single nucleotide variant.
Coding change: c.1465G>C on transcript NM_001851.6 (MANE Select); coding-DNA position 1465, G replaced by C.
Protein change: p.Asp489His; replaces aspartic acid 489 with histidine.
Molecular consequence: missense variant. On other transcripts: non-coding transcript variant (1).
Genome position (GRCh38, 1-based): chr6:70,256,806, C>G on the plus strand (G>C on the coding strand, the complement: COL9A1 is on the minus strand). VCF-style: chr6-70256806-C-G. GRCh37 (hg19) VCF-style: chr6-70966509-C-G.
Other names: c.736G>C, p.Asp246His (NM_001377289.1, NM_001377290.1, NM_078485.4); c.1465G>C (NM_001851.4); short protein forms D246H, D489H.
Identifiers: ClinVar variation 1097342 (VCV001097342.12), dbSNP rs550014166, ClinGen allele CA3882185.